The following is an entry in ClinVar:

ClinVar aggregate classification (germline): Likely benign. Review status: criteria provided, multiple submitters, no conflicts (2 of 4 stars). 3 submissions from 3 submitters: Likely benign (3). Last evaluated 2025-11-26.

Conditions:
RASopathy. Also called: rasopathies; Noonan spectrum disorder. Identifiers: Orphanet 536391, MedGen C5555857, MONDO:0021060.

Allele frequency attached by ClinVar (database versions not stated): TOPMed 0.00006; gnomAD exomes 0.00007; ExAC 0.00009.
gnomAD v4.1: 43 of 1,572,272 alleles (0.0027%); highest among the groups gnomAD compares: Middle Eastern, 0.033%; no homozygotes.

Submissions (3):

Labcorp Genetics (formerly Invitae), Labcorp
Classification: Likely benign for RASopathy. Last evaluated: 2025-11-26. Review status: criteria provided, single submitter. Criteria: Invitae Variant Classification Sherloc (09022015). Collection method: clinical testing. Allele origin: germline.

Blueprint Genetics
Classification: Likely benign. Last evaluated: 2024-07-10. Review status: criteria provided, single submitter. Criteria: ACMG Guidelines, 2015. Collection method: clinical testing. Allele origin: germline.

GeneDx
Classification: Likely benign. Last evaluated: 2017-01-11. Review status: criteria provided, single submitter. Criteria: GeneDx Variant Classification (06012015). Collection method: clinical testing. Allele origin: germline. Affected: yes.
Comment: This variant is considered likely benign or benign based on one or more of the following criteria: it is a conservative change, it occurs at a poorly conserved position in the protein, it is predicted to be benign by multiple in silico algorithms, and/or has population frequency not consistent with disease.

NM_030662.4(MAP2K2):c.529-14G>A

Gene: MAP2K2 (mitogen-activated protein kinase kinase 2; minus strand). Cytogenetic location: 19p13.3.
Variant type: single nucleotide variant.
Coding change: c.529-14G>A on transcript NM_030662.4 (MANE Select); 14 bases into the intron before coding-DNA position 529, G replaced by A.
Molecular consequence: intron variant.
Genome position (GRCh38, 1-based): chr19:4,101,294, C>T on the plus strand (G>A on the coding strand, the complement: MAP2K2 is on the minus strand). VCF-style: chr19-4101294-C-T. GRCh37 (hg19) VCF-style: chr19-4101292-C-T.
Identifiers: ClinVar variation 378976 (VCV000378976.9), dbSNP rs756414078, ClinGen allele CA9090914.